The following is an entry in ClinVar:

NM_000059.4(BRCA2):c.6833_6837del (p.Ile2278fs)

Gene: BRCA2 (BRCA2 DNA repair associated; plus strand). Cytogenetic location: 13q13.1.
Variant type: Deletion.
Coding change: c.6833_6837del on transcript NM_000059.4 (MANE Select); coding-DNA positions 6833 to 6837, 5 bases deleted (TCTTA; older notation c.6833_6837delTCTTA).
Protein change: p.Ile2278fs; shifts the reading frame from isoleucine 2278.
Molecular consequence: frameshift variant.
Genome position (GRCh38, 1-based): chr13:32,341,188-32,341,192, TCTTA deleted; deleting any 5 consecutive bases within chr13:32,341,184-32,341,192 gives the same sequence; the c. name uses the placement nearest the transcript's 3' end. VCF-style (leftmost placement, unchanged base first): chr13-32341183-CCTTAT-C. GRCh37 (hg19) VCF-style: chr13-32915320-CCTTAT-C.
Other names: 7061del5; 7057del5; c.6833_6837delTCTTA (NM_000059.3).
Identifiers: ClinVar variation 52203 (VCV000052203.33), dbSNP rs80359626, ClinGen allele CA024468.
Genomic context (GRCh38, chr13:32,341,183, plus strand): 5'-TCCCGAAAATGAGGAAATGGTTTTGTCAAATTCAAGAATTGGAAAAAGAAGAGGAGAGCC[CCTTAT>C]CTTAGTGGGTAAGTGTTCATTTTTACCTTTCGTGTTGCCAATCACTATTTTTAAAGTGTT-3'

ClinVar aggregate classification (germline): Pathogenic. Review status: reviewed by expert panel (3 of 4 stars). 15 submissions from 15 submitters: Pathogenic (1). 14 of the submissions do not count toward it. Last evaluated 2016-09-08.

Conditions:
Hereditary breast ovarian cancer syndrome. Also called: Hereditary breast and ovarian cancer syndrome; Hereditary breast and ovarian cancer; Hereditary breast and ovarian cancer syndrome (HBOC); Breast and ovarian cancer; Hereditary breast and/or ovarian cancer syndrome; BRCA1- and BRCA2-Associated Hereditary Breast and Ovarian Cancer. Identifiers: Orphanet 145, MedGen C0677776, MeSH D061325, MONDO:0003582. Disease mechanism: loss of function.
Familial cancer of breast. Also called: BREAST CANCER, FAMILIAL; Hereditary breast cancer; hereditary breast carcinoma. Identifiers: Orphanet 227535, MedGen C0346153, MONDO:0016419, OMIM 114480. Disease mechanism: loss of function.
BRCA2-related cancer predisposition. Identifiers: MedGen CN377758, MONDO:0700269.
Hereditary cancer-predisposing syndrome. Also called: Neoplastic Syndromes, Hereditary; Tumor predisposition; Hereditary neoplastic syndrome; Hereditary Cancer Syndrome. Identifiers: Orphanet 140162, MedGen C0027672, MeSH D009386, MONDO:0015356.
Breast-ovarian cancer, familial, susceptibility to, 2 (BROVCA2). Also called: BRCA2 Hereditary Breast and Ovarian Cancer. Identifiers: Orphanet 145, MedGen C2675520, MONDO:0012933, OMIM 612555. Disease mechanism: loss of function.

Submissions 1 to 10 of 15:

Evidence-based Network for the Interpretation of Germline Mutant Alleles (ENIGMA)
Classification: Pathogenic for Breast-ovarian cancer, familial, susceptibility to, 2. Last evaluated: 2016-09-08. Review status: reviewed by expert panel. Criteria: ENIGMA BRCA1/2 Classification Criteria (2015). Collection method: curation. Allele origin: germline.
Comment: Variant allele predicted to encode a truncated non-functional protein.

Labcorp Genetics (formerly Invitae), Labcorp
Classification: Pathogenic for Hereditary breast ovarian cancer syndrome. Last evaluated: 2026-01-12. Review status: criteria provided, single submitter. Criteria: Invitae Variant Classification Sherloc (09022015). Collection method: clinical testing. Allele origin: germline. Not counted in ClinVar's aggregate classification.
Comment: This sequence change creates a premature translational stop signal (p.Ile2278Serfs*13) in the BRCA2 gene. It is expected to result in an absent or disrupted protein product. Loss-of-function variants in BRCA2 are known to be pathogenic (PMID: 20104584). This variant is not present in population databases (gnomAD no frequency). This premature translational stop signal has been observed in individual(s) with breast and/or ovarian cancer (PMID: 8988179, 30103829). This variant is also known as c.7057del5. ClinVar contains an entry for this variant (Variation ID: 52203). For these reasons, this variant has been classified as Pathogenic.

GeneKor MSA
Classification: Pathogenic for Hereditary breast ovarian cancer syndrome. Last evaluated: 2025-05-15. Review status: criteria provided, single submitter. Criteria: ACMG Guidelines, 2015. Collection method: clinical testing. Allele origin: germline. Affected: yes. Not counted in ClinVar's aggregate classification.
Comment: This sequence change deletes five bases in exon 11 of the BRCA2mRNA c.(6833_6837del), causing a frameshift after codon 2278. This creates a premature translational stop signal 13 amino acid residues later p.(Ile2278Serfs*13) and is expected to result in an absent or disrupted protein product. Truncating variants in BRCA2 are known to be pathogenic (PMID:20104584). This variant is not present in population databases (rs80359626,ExAC no frequency). This premature translational stop signal has been observed in individual(s) with a personal and/or family history of breast or ovarian cancer (PMID:29446198). The mutation database ClinVar contains entries for this variant where it is listed as pathogenic (VCV000052203.29).Based on the classification criteria set by the ACMG and AMP (PMID:25741868) this variant has been classified as Pathogenic.

Quest Diagnostics Nichols Institute San Juan Capistrano
Classification: Pathogenic. Last evaluated: 2025-01-15. Review status: criteria provided, single submitter. Criteria: Quest Diagnostics criteria. Collection method: clinical testing. Allele origin: unknown. Not counted in ClinVar's aggregate classification.
Comment: The BRCA2 c.6833_6837del (p.Ile2278Serfs*13) variant alters the translational reading frame of the BRCA2 mRNA and causes the premature termination of BRCA2 protein synthesis. This variant has been reported in the published literature in individuals with breast and/or ovarian cancer (PMIDs: 33471991 (2021) (see also LOVD), 34072659 (2021), 32341426 (2020), 30103829 (2018), 8988179 (1997). This variant has not been reported in large, multi-ethnic general populations (Genome Aggregation Database). Based on the available information, this variant is classified as pathogenic.

All of Us Research Program, National Institutes of Health
Classification: Pathogenic for BRCA2-related cancer predisposition. Last evaluated: 2024-08-07. Review status: criteria provided, single submitter. Criteria: ACMG Guidelines, 2015. Collection method: clinical testing. Allele origin: germline. Inheritance: Autosomal dominant inheritance. Observed: 1 variant allele, 1 heterozygote. Not counted in ClinVar's aggregate classification.
Comment: The c.6833_6837del (p.Ile2278Serfs*13) variant in the BRCA2 gene is located on the exon 11 and is predicted to cause shift of reading frame that introduces a premature translation termination codon (p.Ile2278Serfs*13), resulting in an absent or disrupted protein product. The variant has been reported in multiple individuals with breast/ovarian/prostate cancer (PMID: 30103829, 31853058, 32614418, 31341520, 27153395). Loss-of-function variants of BRCA2 are known to be pathogenic (PMID: 8988179, 11897832, 29446198). The variant is reported in ClinVar as pathogenic (ID: 52203) and reviewed by the expert panel. The variant is absent in the general population database (gnomAD). Therefore, the c.6833_6837del (p.Ile2278Serfs*13) variant of BRCA2 has been classified as pathogenic.

This study involves interpretation of variants in research participants for the purpose of population health screening. Participant phenotype was not available at the time of variant classification. Additional details can be found in publication PMID: 35346344, PMCID: PMC8962531

GeneDx
Classification: Pathogenic. Last evaluated: 2024-07-25. Review status: criteria provided, single submitter. Criteria: GeneDx Variant Classification Process June 2021. Collection method: clinical testing. Allele origin: germline. Affected: yes. Not counted in ClinVar's aggregate classification.
Comment: Frameshift variant predicted to result in protein truncation or nonsense mediated decay in a gene for which loss of function is a known mechanism of disease; Observed in individuals with a personal or family history consistent with pathogenic variants in this gene (PMID: 22762150, 30103829, 32341426); Not observed at significant frequency in large population cohorts (gnomAD); Truncating variants in this gene are considered pathogenic by a well-established clinical consortium and/or database; Also known as 7061_7065del; This variant is associated with the following publications: (PMID: 8988179, 12036913, 29446198, 22762150, 31853058, 32341426, 31341520, 30103829, 34072659, 33471991)

Color Diagnostics, LLC DBA Color Health
Classification: Pathogenic for Hereditary cancer-predisposing syndrome. Last evaluated: 2024-01-02. Review status: criteria provided, single submitter. Criteria: ACMG Guidelines, 2015. Collection method: clinical testing. Allele origin: germline. Not counted in ClinVar's aggregate classification.
Comment: This variant deletes 5 nucleotides in exon 11 of the BRCA2 gene, creating a frameshift and premature translation stop signal. This variant is expected to result in an absent or non-functional protein product. This variant has been reported in at least 4 individuals affected with breast and ovarian cancer (PMID: 12036913, 30103829, 32341426, 33471991; Leiden Open Variation Database DB-ID BRCA2_003427, 34072659) and has been identified in 5 families among the CIMBA participants (PMID: 29446198). This variant has not been identified in the general population by the Genome Aggregation Database (gnomAD). Loss of BRCA2 function is a known mechanism of disease. Based on the available evidence, this variant is classified as Pathogenic.

Revvity Omics, Revvity
Classification: Pathogenic. Last evaluated: 2023-06-28. Review status: criteria provided, single submitter. Criteria: ACMG Guidelines, 2015. Collection method: clinical testing. Allele origin: germline. Not counted in ClinVar's aggregate classification.

Ambry Genetics
Classification: Pathogenic for Hereditary cancer-predisposing syndrome. Last evaluated: 2022-09-19. Review status: criteria provided, single submitter. Criteria: Ambry Variant Classification Scheme 2023. Collection method: clinical testing. Allele origin: germline. Not counted in ClinVar's aggregate classification.
Comment: The c.6833_6837delTCTTA pathogenic mutation, located in coding exon 10 of the BRCA2 gene, results from a deletion of 5 nucleotides at nucleotide positions 6833 to 6837, causing a translational frameshift with a predicted alternate stop codon (p.I2278Sfs*13). This alteration has been identified in a breast and an ovarian cancer cohort (Gayther SA et al. Nat. Genet. 1997 Jan;15(1):103-5; Cardoso FC et al. Hum. Genomics. 2018 08;12(1):39). This variant is considered to be rare based on population cohorts in the Genome Aggregation Database (gnomAD). In addition to the clinical data presented in the literature, this alteration is expected to result in loss of function by premature protein truncation or nonsense-mediated mRNA decay. As such, this alteration is interpreted as a disease-causing mutation.

Baylor Genetics
Classification: Pathogenic for Familial cancer of breast. Last evaluated: 2021-12-07. Review status: criteria provided, single submitter. Criteria: ACMG Guidelines, 2015. Collection method: clinical testing. Allele origin: unknown. Not counted in ClinVar's aggregate classification.